The following is an entry in ClinVar:

ClinVar aggregate classification (germline): Conflicting classifications of pathogenicity. Review status: criteria provided, conflicting classifications (1 of 4 stars). 3 submissions from 3 submitters: Uncertain significance (2); Likely benign (1). Last evaluated 2026-06-22.

Conditions:
Hereditary cancer-predisposing syndrome. Also called: Tumor predisposition; Neoplastic Syndromes, Hereditary; Hereditary Cancer Syndrome; Hereditary neoplastic syndrome. Identifiers: Orphanet 140162, MedGen C0027672, MeSH D009386, MONDO:0015356.
Hereditary diffuse gastric adenocarcinoma (HDGC). Also called: DIFFUSE GASTRIC AND LOBULAR BREAST CANCER SYNDROME. Identifiers: Orphanet 26106, MedGen C1708349, MONDO:0007648, OMIM 137215.

Allele frequency attached by ClinVar (database versions not stated): gnomAD exomes 0.00001; ExAC 0.00002.

Submissions (3):

Ambry Genetics
Classification: Likely benign for Hereditary cancer-predisposing syndrome. Last evaluated: 2026-06-22. Review status: criteria provided, single submitter. Criteria: Ambry Variant Classification Scheme 2023. Collection method: clinical testing. Allele origin: germline.

Labcorp Genetics (formerly Invitae), Labcorp
Classification: Uncertain significance for Hereditary diffuse gastric adenocarcinoma. Last evaluated: 2021-05-18. Review status: criteria provided, single submitter. Criteria: Invitae Variant Classification Sherloc (09022015). Collection method: clinical testing. Allele origin: germline.
Comment: In summary, the available evidence is currently insufficient to determine the role of this variant in disease. Therefore, it has been classified as a Variant of Uncertain Significance. Algorithms developed to predict the effect of missense changes on protein structure and function are either unavailable or do not agree on the potential impact of this missense change (SIFT: "Tolerated"; PolyPhen-2: "Possibly Damaging"; Align-GVGD: "Class C0"). This variant has not been reported in the literature in individuals with CDH1-related conditions. ClinVar contains an entry for this variant (Variation ID: 234283). This variant is present in population databases (rs775484115, ExAC 0.003%). This sequence change replaces valine with isoleucine at codon 188 of the CDH1 protein (p.Val188Ile). The valine residue is highly conserved and there is a small physicochemical difference between valine and isoleucine.

GeneDx
Classification: Uncertain significance. Last evaluated: 2015-11-19. Review status: criteria provided, single submitter. Criteria: GeneDx Variant Classification (06012015). Collection method: clinical testing. Allele origin: germline. Affected: yes.
Comment: This variant is denoted CDH1 c.562G>A at the cDNA level, p.Val188Ile (V188I) at the protein level, and results in the change of a Valine to an Isoleucine (GTT>ATT). This variant has not, to our knowledge, been published in the literature as pathogenic or benign. CDH1 Val188Ile was not observed in approximately 6,500 individuals of European and African American ancestry in the NHLBI Exome Sequencing Project, indicating it is not a common benign variant in these populations. Since Valine and Isoleucine share similar properties, this is considered a conservative amino acid substitution. CDH1 Val188Ile occurs at a position where amino acids with properties similar to Valine are tolerated across species, and is located in the Cadherin 1 domain and extracellular domain (UniProt, Brooks-Wilson 2004). In silico analyses are inconsistent regarding the effect this variant may have on protein structure and function. Based on currently available information, it is unclear whether CDH1 Val188Ile is pathogenic or benign. We consider it to be a variant of uncertain significance.

NM_004360.5(CDH1):c.562G>A (p.Val188Ile)

Gene: CDH1 (cadherin 1; plus strand). Cytogenetic location: 16q22.1.
Variant type: single nucleotide variant.
Coding change: c.562G>A on transcript NM_004360.5 (MANE Select); coding-DNA position 562, G replaced by A.
Protein change: p.Val188Ile; replaces valine 188 with isoleucine.
Molecular consequence: missense variant. On other transcripts: 5 prime UTR variant (2).
Genome position (GRCh38, 1-based): chr16:68,808,723, G>A. VCF-style: chr16-68808723-G-A. GRCh37 (hg19) VCF-style: chr16-68842626-G-A.
Other names: c.562G>A (LRG_301t1); c.562G>A, p.Val188Ile (NM_001317184.2); c.-1054G>A (NM_001317185.2); c.-1258G>A (NM_001317186.2); short protein forms V188I.
Identifiers: ClinVar variation 234283 (VCV000234283.17), dbSNP rs775484115, ClinGen allele CA8129894.